The following is an entry in ClinVar:

ClinVar aggregate classification (germline): Uncertain significance (1 of 4 stars; one submission).

Conditions:
Neuronopathy, distal hereditary motor, type 7A. Also called: NEURONOPATHY, DISTAL HEREDITARY MOTOR, HARDING TYPE VIIA; NEUROPATHY, DISTAL HEREDITARY MOTOR, HARDING TYPE VIIA; Neuronopathy, distal hereditary motor, autosomal dominant 7; HARPER-YOUNG MYOPATHY; HMN VIIA; SPINAL MUSCULAR ATROPHY, DISTAL, WITH VOCAL CORD PARALYSIS. Identifiers: Orphanet 139589, MedGen C1834703, MONDO:0008024, OMIM 158580.
Congenital myasthenic syndrome 20. Also called: Myasthenic syndrome, congenital, 20, presynaptic. Identifiers: MedGen C4310694, MONDO:0014939, OMIM 617143.

Submission:

Labcorp Genetics (formerly Invitae), Labcorp
Classification: Uncertain significance for Neuronopathy, distal hereditary motor, type 7A; Congenital myasthenic syndrome 20. Last evaluated: 2023-05-23. Review status: criteria provided, single submitter. Criteria: Invitae Variant Classification Sherloc (09022015). Collection method: clinical testing. Allele origin: germline.
Comment: In summary, the available evidence is currently insufficient to determine the role of this variant in disease. Therefore, it has been classified as a Variant of Uncertain Significance. A gross deletion of the genomic region encompassing the full coding sequence of the SLC5A7 gene has been identified. The current clinical and genetic evidence is not sufficient to establish whether loss-of-function variants in SLC5A7 cause disease. The boundaries of this event are unknown as they extend beyond the assayed region for this gene and therefore may encompass additional genes. This variant has not been reported in the literature in individuals affected with SLC5A7-related conditions.

NC_000002.11:g.(?_108604612)_(108627317_?)del

Gene: SLC5A7 (solute carrier family 5 member 7; plus strand). Cytogenetic location: 2q12.3.
Variant type: Deletion.
Identifiers: ClinVar variation 1449289 (VCV001449289.6).